The following is an entry in ClinVar:

NM_001267550.2(TTN):c.79856G>A (p.Arg26619His)

Genes: TTN-AS1 (TTN antisense RNA 1; plus strand), TTN (titin; minus strand). Cytogenetic location: 2q31.2.
Variant type: single nucleotide variant.
Coding change: c.79856G>A on transcript NM_001267550.2 (MANE Select); coding-DNA position 79856, G replaced by A.
Protein change: p.Arg26619His; replaces arginine 26619 with histidine.
Molecular consequence: missense variant.
Genome position (GRCh38, 1-based): chr2:178,566,276, C>T on the plus strand (G>A on the coding strand, the complement: TTN is on the minus strand). VCF-style: chr2-178566276-C-T. GRCh37 (hg19) VCF-style: chr2-179431003-C-T.
Other names: p.R24978H:CGT>CAT; c.74933G>A, p.Arg24978His (NM_001256850.1); c.52661G>A, p.Arg17554His (NM_003319.4); c.72152G>A, p.Arg24051His (NM_133378.4); c.53036G>A, p.Arg17679His (NM_133432.3); c.53237G>A, p.Arg17746His (NM_133437.4); short protein forms R24978H, R26619H, R24051H, R17554H, R17746H, R17679H.
Identifiers: ClinVar variation 202895 (VCV000202895.20), dbSNP rs530507211, ClinGen allele CA310617.

ClinVar aggregate classification (germline): Conflicting classifications of pathogenicity. Review status: criteria provided, conflicting classifications (1 of 4 stars). 10 submissions from 6 submitters: Uncertain significance (4); Benign (2); Likely benign (3). 1 of the submissions does not count toward it. Last evaluated 2026-01-20.

Conditions:
TTN-related disorder. Also called: TTN-related condition; TTN-related disease; TTN-related disorders.
Cardiovascular phenotype. Identifiers: MedGen CN230736.
Dilated cardiomyopathy 1G (CMD1G). Identifiers: Orphanet 154, MedGen C1858763, MONDO:0011400, OMIM 604145.
Autosomal recessive limb-girdle muscular dystrophy type 2J (LGMDR10). Also called: Limb-girdle muscular dystrophy, type 2J; MUSCULAR DYSTROPHY, LIMB-GIRDLE, AUTOSOMAL RECESSIVE 10. Identifiers: Orphanet 140922, MedGen C1837342, MONDO:0012127, OMIM 608807.
Myopathy, myofibrillar, 9, with early respiratory failure (MFM9). Also called: Myopathy, distal, with early respiratory failure, autosomal dominant; MYOPATHY, PROXIMAL, WITH EARLY RESPIRATORY MUSCLE INVOLVEMENT; Hereditary myopathy with early respiratory failure; EDSTROM MYOPATHY. Identifiers: Orphanet 178464, Orphanet 34521, MedGen C1863599, MONDO:0011362, OMIM 603689.
Early-onset myopathy with fatal cardiomyopathy (CMYO5). Also called: Salih Myopathy; CONGENITAL MYOPATHY 5 WITH CARDIOMYOPATHY. Identifiers: Orphanet 289377, MedGen C2673677, MONDO:0012714, OMIM 611705. Disease mechanism: loss of function.
Tibial muscular dystrophy (TMD). Also called: Tibial muscular dystrophy, tardive; Udd Distal Myopathy – Tibial Muscular Dystrophy; UDD MYOPATHY. Identifiers: Orphanet 609, MedGen C1838244, MONDO:0010870, OMIM 600334.

Allele frequency attached by ClinVar (database versions not stated): gnomAD 0.00004; gnomAD exomes 0.00007 and 0.00033; TOPMed 0.00012; 1000 Genomes Project 30x 0.00016; 1000 Genomes Project 0.00020; ExAC 0.00030.
gnomAD v4.1: 107 of 1,613,634 alleles (0.0066%); highest among the groups gnomAD compares: Admixed American, 0.13%; no homozygotes.

Submissions (10):

Labcorp Genetics (formerly Invitae), Labcorp
Classification: Likely benign for Dilated cardiomyopathy 1G; Autosomal recessive limb-girdle muscular dystrophy type 2J. Last evaluated: 2026-01-20. Review status: criteria provided, single submitter. Criteria: Invitae Variant Classification Sherloc (09022015). Collection method: clinical testing. Allele origin: germline.

PreventionGenetics, part of Exact Sciences
Classification: Likely benign for TTN-related condition. Last evaluated: 2025-08-31. Review status: criteria provided, single submitter. Criteria: ACMG Guidelines, 2015. Collection method: clinical testing. Allele origin: germline.
Comment: This variant is classified as likely benign based on ACMG/AMP sequence variant interpretation guidelines (Richards et al. 2015 PMID: 25741868, with internal and published modifications).

Revvity Omics, Revvity
Classification: Uncertain significance. Last evaluated: 2024-05-15. Review status: criteria provided, single submitter. Criteria: ACMG Guidelines, 2015. Collection method: clinical testing. Allele origin: germline.

Ambry Genetics
Classification: Likely benign for Cardiovascular phenotype. Last evaluated: 2019-06-13. Review status: criteria provided, single submitter. Criteria: Ambry Variant Classification Scheme 2023. Collection method: clinical testing. Allele origin: germline.

Illumina Laboratory Services, Illumina
Classification: Benign for Tibial muscular dystrophy. Last evaluated: 2018-01-12. Review status: criteria provided, single submitter. Criteria: ICSL Variant Classification Criteria 13 December 2019. Collection method: clinical testing. Allele origin: germline.
Comment: This variant was observed in the ICSL laboratory as part of a predisposition screen in an ostensibly healthy population. It had not been previously curated by ICSL or reported in the Human Gene Mutation Database (HGMD: prior to June 1st, 2018), and was therefore a candidate for classification through an automated scoring system. Utilizing variant allele frequency, disease prevalence and penetrance estimates, and inheritance mode, an automated score was calculated to assess if this variant is too frequent to cause the disease. Based on the score and internal cut-off values, a variant classified as benign is not then subjected to further curation. The score for this variant resulted in a classification of benign for this disease.

Illumina Laboratory Services, Illumina
Classification: Uncertain significance for Autosomal recessive limb-girdle muscular dystrophy type 2J. Last evaluated: 2018-01-12. Review status: criteria provided, single submitter. Criteria: ICSL Variant Classification Criteria 13 December 2019. Collection method: clinical testing. Allele origin: germline.

Illumina Laboratory Services, Illumina
Classification: Uncertain significance for Early-onset myopathy with fatal cardiomyopathy. Last evaluated: 2018-01-12. Review status: criteria provided, single submitter. Criteria: ICSL Variant Classification Criteria 13 December 2019. Collection method: clinical testing. Allele origin: germline.

Illumina Laboratory Services, Illumina
Classification: Uncertain significance for Dilated cardiomyopathy 1G. Last evaluated: 2018-01-12. Review status: criteria provided, single submitter. Criteria: ICSL Variant Classification Criteria 13 December 2019. Collection method: clinical testing. Allele origin: germline.

Illumina Laboratory Services, Illumina
Classification: Benign for Myopathy, myofibrillar, 9, with early respiratory failure. Last evaluated: 2018-01-12. Review status: criteria provided, single submitter. Criteria: ICSL Variant Classification Criteria 13 December 2019. Collection method: clinical testing. Allele origin: germline.
Comment: the same text as in the submission from Illumina Laboratory Services, Illumina above.

GeneDx
No classification provided. Last evaluated: 2013-11-26. Review status: no classification provided. Criteria: GeneDx Variant Classification (06012015). Collection method: clinical testing. Allele origin: germline. Affected: yes. Not counted in ClinVar's aggregate classification.
Comment: Missense variants in the TTN gene are considered 'unclassified' if they are not previously reported in the literature and do not have >1% frequency in the population to be considered a polymorphism. Research indicates that truncating mutations in the TTN gene are expected to account for approximately 25% of familial and 18% of sporadic idiopathic DCM; however, truncating variants in the TTN gene have been reported in approximately 3% of reported control alleles. There has been little investigation into non-truncating variants. (Herman D et al. Truncations of titin causing dilated cardiomyopathy. N Eng J Med 366:619-628, 2012) The variant is found in DCM-CRDM panel(s).